The following is an entry in ClinVar:

NM_032737.4(LMNB2):c.574G>T (p.Ala192Ser)

Gene: LMNB2 (lamin B2; minus strand). Cytogenetic location: 19p13.3.
Variant type: single nucleotide variant.
Coding change: c.574G>T on transcript NM_032737.4 (MANE Select); coding-DNA position 574, G replaced by T.
Protein change: p.Ala192Ser; replaces alanine 192 with serine.
Molecular consequence: missense variant.
Genome position (GRCh38, 1-based): chr19:2,438,273, C>A on the plus strand (G>T on the coding strand, the complement: LMNB2 is on the minus strand). VCF-style: chr19-2438273-C-A. GRCh37 (hg19) VCF-style: chr19-2438271-C-A.
Other names: c.514G>T (NM_032737.2); short protein forms A192S.
Identifiers: ClinVar variation 542437 (VCV000542437.39), dbSNP rs112419003, ClinGen allele CA9067840.
Genomic context (GRCh38, chr19:2,438,273, plus strand): 5'-AGCGGTTCTCCAGGTCCACACGCATCAGCGTCTCCTTCTCCAGCTGCTTTTTGGCCACTG[C>A]ATGACCGTCCTCGGCCTGGGAGACACAGGACAGCGAGCTGGTGTGACAATCTGTCTGTTG-3'
Protein context (NP_116126.3, residues 182-202): AQLAKAEDGH[Ala192Ser]VAKKQLEKET

ClinVar aggregate classification (germline): Conflicting classifications of pathogenicity. Review status: criteria provided, conflicting classifications (1 of 4 stars). 5 submissions from 5 submitters: Uncertain significance (3); Likely benign (2). Last evaluated 2026-01-21.

Conditions:
Progressive myoclonic epilepsy type 9. Identifiers: Orphanet 457265, MedGen C4225289, MONDO:0014685, OMIM 616540.
Microcephaly 27, primary, autosomal dominant. Identifiers: MedGen C5543051, MONDO:0030929, OMIM 619180.
Lipodystrophy, partial, acquired, susceptibility to (APLD). Also called: APLD, SUSCEPTIBILITY TO. Identifiers: MedGen C3887501, MONDO:0100476, OMIM 608709.

Allele frequency attached by ClinVar (database versions not stated): ExAC 0.00038; ESP Exome Variant Server 0.00046; gnomAD exomes 0.00049 and 0.00032; TOPMed 0.00027; gnomAD 0.00032 and 0.00033.
gnomAD v4.1: 750 of 1,613,926 alleles (0.046%); highest among the groups gnomAD compares: Non-Finnish European, 0.059%; no homozygotes.

Submissions (5):

Labcorp Genetics (formerly Invitae), Labcorp
Classification: Likely benign for Progressive myoclonic epilepsy type 9; Lipodystrophy, partial, acquired, susceptibility to. Last evaluated: 2026-01-21. Review status: criteria provided, single submitter. Criteria: Invitae Variant Classification Sherloc (09022015). Collection method: clinical testing. Allele origin: germline.

CeGaT Center for Human Genetics Tuebingen
Classification: Likely benign. Last evaluated: 2025-08-01. Review status: criteria provided, single submitter. Criteria: CeGaT Center For Human Genetics Tuebingen Variant Classification Criteria Version 2. Collection method: clinical testing. Allele origin: germline. Affected: yes. Observed: 2 variant alleles.
Comment: LMNB2: BP4

Ambry Genetics
Classification: Uncertain significance. Last evaluated: 2024-12-11. Review status: criteria provided, single submitter. Criteria: Ambry Variant Classification Scheme 2023. Collection method: clinical testing. Allele origin: germline.

Fulgent Genetics
Classification: Uncertain significance for Lipodystrophy, partial, acquired, susceptibility to; Progressive myoclonic epilepsy type 9; Microcephaly 27, primary, autosomal dominant. Last evaluated: 2024-05-01. Review status: criteria provided, single submitter. Criteria: ACMG Guidelines, 2015. Collection method: clinical testing. Allele origin: germline.

Athena Diagnostics
Classification: Uncertain significance. Last evaluated: 2018-05-16. Review status: criteria provided, single submitter. Criteria: Athena Diagnostics Criteria. Collection method: clinical testing. Allele origin: germline.